The following is an entry in ClinVar:

NM_001365276.2(TNXB):c.10902G>A (p.Gly3634=)

Genes: TNXB (tenascin XB; minus strand), LOC106780803 (tenascin XB recombination region; plus strand). Cytogenetic location: 6p21.33.
Variant type: single nucleotide variant.
Coding change: c.10902G>A on transcript NM_001365276.2 (MANE Select); coding-DNA position 10902, G replaced by A.
Protein change: p.Gly3634=; no amino-acid change (glycine 3634 retained).
Molecular consequence: synonymous variant.
Genome position (GRCh38, 1-based): chr6:32,045,031, C>T on the plus strand (G>A on the coding strand, the complement: TNXB is on the minus strand). VCF-style: chr6-32045031-C-T. GRCh37 (hg19) VCF-style: chr6-32012808-C-T.
Other names: c.10896G>A, p.Gly3632= (NM_019105.8); c.189G>A, p.Gly63= (NM_032470.4).
Identifiers: ClinVar variation 2656441 (VCV002656441.24), dbSNP rs1261439999, ClinGen allele CA449819858.

ClinVar aggregate classification (germline): Uncertain significance (1 of 4 stars; one submission).

Submission:

CeGaT Center for Human Genetics Tuebingen
Classification: Uncertain significance. Last evaluated: 2022-07-01. Review status: criteria provided, single submitter. Criteria: CeGaT Center For Human Genetics Tuebingen Variant Classification Criteria Version 2. Collection method: clinical testing. Allele origin: germline. Affected: yes. Observed: 1 variant allele.
Comment: TNXB: PM2, BP4, BP7